The following is an entry in ClinVar:

ClinVar aggregate classification (germline): Conflicting classifications of pathogenicity. Review status: criteria provided, conflicting classifications (1 of 4 stars). 6 submissions from 6 submitters: Pathogenic (4); Likely pathogenic (1); Uncertain significance (1). Last evaluated 2026-02-10.

Conditions:
Walker-Warburg congenital muscular dystrophy. Also called: Muscular dystrophy-dystroglycanopathy, type A; Walker-Warburg syndrome. Identifiers: Orphanet 899, MedGen C0265221, MONDO:0000171.
Autosomal recessive limb-girdle muscular dystrophy type 2K. Also called: MUSCULAR DYSTROPHY-DYSTROGLYCANOPATHY (LIMB-GIRDLE), TYPE C, 1; MUSCULAR DYSTROPHY, LIMB-GIRDLE, TYPE 2K. Identifiers: Orphanet 86812, MedGen C1836373, MONDO:0012248, OMIM 609308.
Muscular dystrophy-dystroglycanopathy (congenital with impaired intellectual development), type B, 1. Also called: MUSCULAR DYSTROPHY, CONGENITAL, POMT1-RELATED; Muscular dystrophy-dystroglycanopathy (congenital with intellectual disability), type B1. Identifiers: MedGen C5436962, MONDO:0013159, OMIM 613155.
Muscular dystrophy-dystroglycanopathy (congenital with brain and eye anomalies), type A1 (MDDGA1). Also called: WALKER-WARBURG SYNDROME OR MUSCLE-EYE-BRAIN DISEASE, POMT1-RELATED; Hydrocephalus, agyria and retinal dysplasia; Hard +/- E syndrome; Warburg syndrome; Chemke syndrome; Pagon syndrome. Identifiers: Orphanet 588, Orphanet 899, MedGen C4284790, MONDO:0009364, OMIM 236670.

gnomAD v4.1: 9 of 1,610,668 alleles (0.00056%); highest among the groups gnomAD compares: Admixed American, 0.0083%; no homozygotes.

Submissions (6):

GeneDx
Classification: Likely pathogenic. Last evaluated: 2026-02-10. Review status: criteria provided, single submitter. Criteria: GeneDx Variant Classification Process June 2021. Collection method: clinical testing. Allele origin: germline. Affected: yes.
Comment: Identified in patients with clinical features consistent with a POMT1-related disorder in published literature (PMID: 17559086, 18752264, 31127727); Nonsense variant predicted to result in protein truncation, as the last 27 amino acid(s) are lost, and other loss-of-function variants have been reported downstream in HGMD; Not observed at significant frequency in large population cohorts (gnomAD); This variant is associated with the following publications: (PMID: 22323514, 28973083, 33146414, 18752264, 31127727, 17559086, 30564623)

Labcorp Genetics (formerly Invitae), Labcorp
Classification: Pathogenic for Muscular dystrophy-dystroglycanopathy (congenital with impaired intellectual development), type B, 1; Walker-Warburg congenital muscular dystrophy; Autosomal recessive limb-girdle muscular dystrophy type 2K. Last evaluated: 2025-09-01. Review status: criteria provided, single submitter. Criteria: Invitae Variant Classification Sherloc (09022015). Collection method: clinical testing. Allele origin: germline.
Comment: This sequence change creates a premature translational stop signal (p.Tyr721*) in the POMT1 gene. While this is not anticipated to result in nonsense mediated decay, it is expected to disrupt the last 27 amino acid(s) of the POMT1 protein. This variant is present in population databases (rs138902646, gnomAD 0.01%). This premature translational stop signal has been observed in individuals with POMT1-related conditions (PMID: 17559086, 18752264). ClinVar contains an entry for this variant (Variation ID: 195505). This variant disrupts a region of the POMT1 protein in which other variant(s) (p.Asp723Glyfs*8) have been determined to be pathogenic (PMID: 12369018, 16575835, 17559086, 22323514, 24304607, 24491487). This suggests that this is a clinically significant region of the protein, and that variants that disrupt it are likely to be disease-causing. For these reasons, this variant has been classified as Pathogenic.

Revvity Omics, Revvity
Classification: Uncertain significance. Last evaluated: 2024-10-01. Review status: criteria provided, single submitter. Criteria: ACMG Guidelines, 2015. Collection method: clinical testing. Allele origin: germline.

Fulgent Genetics
Classification: Pathogenic for Muscular dystrophy-dystroglycanopathy (congenital with brain and eye anomalies), type A1; Autosomal recessive limb-girdle muscular dystrophy type 2K; Muscular dystrophy-dystroglycanopathy (congenital with impaired intellectual development), type B, 1. Last evaluated: 2024-06-06. Review status: criteria provided, single submitter. Criteria: ACMG Guidelines, 2015. Collection method: clinical testing. Allele origin: germline.

Baylor Genetics
Classification: Pathogenic for Muscular dystrophy-dystroglycanopathy (congenital with brain and eye anomalies), type A1. Last evaluated: 2023-09-10. Review status: criteria provided, single submitter. Criteria: ACMG Guidelines, 2015. Collection method: clinical testing. Allele origin: unknown.

Eurofins Ntd Llc (ga)
Classification: Pathogenic. Last evaluated: 2016-09-01. Review status: criteria provided, single submitter. Criteria: EGL Classification Definitions 2015. Collection method: clinical testing. Allele origin: germline. Observed: 2 variant alleles, 2 heterozygotes.

Literature cited by the submitters: PubMed 17559086 (cited by Labcorp Genetics (formerly Invitae), Labcorp); PubMed 18752264 (cited by Labcorp Genetics (formerly Invitae), Labcorp); PubMed 12369018 (cited by Labcorp Genetics (formerly Invitae), Labcorp); PubMed 16575835 (cited by Labcorp Genetics (formerly Invitae), Labcorp); PubMed 22323514 (cited by Labcorp Genetics (formerly Invitae), Labcorp); PubMed 24304607 (cited by Labcorp Genetics (formerly Invitae), Labcorp); PubMed 24491487 (cited by Labcorp Genetics (formerly Invitae), Labcorp).

NM_001077365.2(POMT1):c.2097C>A (p.Tyr699Ter)

Gene: POMT1 (protein O-mannosyltransferase 1; plus strand). Cytogenetic location: 9q34.13.
Variant type: single nucleotide variant.
Coding change: c.2097C>A on transcript NM_001077365.2 (MANE Select); coding-DNA position 2097, C replaced by A.
Protein change: p.Tyr699Ter; replaces tyrosine 699 with a stop codon.
Molecular consequence: nonsense. On other transcripts: non-coding transcript variant (10).
Genome position (GRCh38, 1-based): chr9:131,523,025, C>A. VCF-style: chr9-131523025-C-A. GRCh37 (hg19) VCF-style: chr9-134398412-C-A.
Other names: c.1935C>A, p.Tyr645Ter (NM_001077366.2, NM_001353194.2); c.2097C>A, p.Tyr699Ter (NM_001136113.2); c.1746C>A, p.Tyr582Ter (NM_001136114.2, NM_001353195.2, NM_001374691.1 and 2 more transcripts); c.2163C>A, p.Tyr721Ter (NM_001353193.2, NM_007171.4); c.2007C>A, p.Tyr669Ter (NM_001353196.2); c.2001C>A, p.Tyr667Ter (NM_001353197.2, NM_001353198.2); c.1812C>A, p.Tyr604Ter (NM_001353199.2); c.1641C>A, p.Tyr547Ter (NM_001353200.2); and 3 more; short protein forms Y721*, Y547*, Y669*, Y699*, Y582*, Y604*, Y645*, Y667*.
Identifiers: ClinVar variation 195505 (VCV000195505.19), dbSNP rs138902646, ClinGen allele CA211189.
Genomic context (GRCh38, chr9:131,523,025, plus strand): 5'-GGTGGTGGCCTGGTACTCCTCCGCGTGCCACGTGTCCAACACGCTGCGCCCACTCACCTA[C>A]GGGGACAAGTCACTCTCGCCACATGAACTCAAGGCCCTTCGCTGGAAAGACAGCTGGGAC-3'